The following is an entry in ClinVar:

ClinVar aggregate classification (germline): Uncertain significance (1 of 4 stars; one submission).

Allele frequency attached by ClinVar (database versions not stated): gnomAD 0.00001; gnomAD exomes 0.00001; TOPMed 0.00001; ExAC 0.00002.
gnomAD v4.1: 10 of 1,597,680 alleles (0.00063%); highest among the groups gnomAD compares: East Asian, 0.0023%; no homozygotes.

Submission:

Labcorp Genetics (formerly Invitae), Labcorp
Classification: Uncertain significance. Last evaluated: 2022-05-07. Review status: criteria provided, single submitter. Criteria: Invitae Variant Classification Sherloc (09022015). Collection method: clinical testing. Allele origin: germline.
Comment: In summary, the available evidence is currently insufficient to determine the role of this variant in disease. Therefore, it has been classified as a Variant of Uncertain Significance. Experimental studies and prediction algorithms are not available or were not evaluated, and the functional significance of this variant is currently unknown. This variant has not been reported in the literature in individuals affected with LTBP4-related conditions. The frequency data for this variant in the population databases is considered unreliable, as metrics indicate poor data quality at this position in the gnomAD database. This sequence change replaces glutamic acid, which is acidic and polar, with lysine, which is basic and polar, at codon 1494 of the LTBP4 protein (p.Glu1494Lys).

NM_001042545.2(LTBP4):c.4390G>A (p.Glu1464Lys)

Gene: LTBP4 (latent transforming growth factor beta binding protein 4; plus strand). Cytogenetic location: 19q13.2.
Variant type: single nucleotide variant.
Coding change: c.4390G>A on transcript NM_001042545.2 (MANE Select); coding-DNA position 4390, G replaced by A.
Protein change: p.Glu1464Lys; replaces glutamic acid 1464 with lysine.
Molecular consequence: missense variant.
Genome position (GRCh38, 1-based): chr19:40,627,728, G>A. VCF-style: chr19-40627728-G-A. GRCh37 (hg19) VCF-style: chr19-41133633-G-A.
Other names: c.4591G>A, p.Glu1531Lys (NM_001042544.1); c.4480G>A, p.Glu1494Lys (NM_003573.2); short protein forms E1531K, E1464K, E1494K.
Identifiers: ClinVar variation 1900401 (VCV001900401.5), dbSNP rs750636976, ClinGen allele CA9449308.
Genomic context (GRCh38, chr19:40,627,728, plus strand): 5'-GGGACCTCAAGTCATAGGGTCCCCGCATTTCCCACAGGTTCCCTGGCTGAGCCCTACGAG[G>A]AGCTGGAGGCGGAGGAGTGCGGGATCCTGGACGGCTGCACCAACGGCCGCTGCGTGCGCG-3'
Protein context (NP_001036010.1, residues 1454-1474): YAGSLAEPYE[Glu1464Lys]LEAEECGILD